The following is an entry in ClinVar:

NM_001001957.2(OR2W3):c.101C>T (p.Ala34Val)

Gene: OR2W3 (olfactory receptor family 2 subfamily W member 3; plus strand). Cytogenetic location: 1q44.
Variant type: single nucleotide variant.
Coding change: c.101C>T on transcript NM_001001957.2 (MANE Select); coding-DNA position 101, C replaced by T.
Protein change: p.Ala34Val; replaces alanine 34 with valine.
Molecular consequence: missense variant.
Genome position (GRCh38, 1-based): chr1:247,895,687, C>T. VCF-style: chr1-247895687-C-T. GRCh37 (hg19) VCF-style: chr1-248058989-C-T.
Other names: short protein forms A34V.
Identifiers: ClinVar variation 1410362 (VCV001410362.7), dbSNP rs571732808, ClinGen allele CA1498512.

ClinVar aggregate classification (germline): Uncertain significance. Review status: criteria provided, multiple submitters, no conflicts (2 of 4 stars). 2 submissions from 2 submitters: Uncertain significance (2). Last evaluated 2025-12-30.

Allele frequency attached by ClinVar (database versions not stated): ExAC 0.00002; gnomAD 0.00003 and 0.00004; gnomAD exomes 0.00004; TOPMed 0.00005.

Submissions (2):

Labcorp Genetics (formerly Invitae), Labcorp
Classification: Uncertain significance. Last evaluated: 2025-12-30. Review status: criteria provided, single submitter. Criteria: Invitae Variant Classification Sherloc (09022015). Collection method: clinical testing. Allele origin: germline.
Comment: This sequence change replaces alanine, which is neutral and non-polar, with valine, which is neutral and non-polar, at codon 34 of the OR2W3 protein (p.Ala34Val). This variant is present in population databases (rs571732808, gnomAD 0.01%). This variant has not been reported in the literature in individuals affected with OR2W3-related conditions. ClinVar contains an entry for this variant (Variation ID: 1410362). An algorithm developed to predict the effect of missense changes on protein structure and function (PolyPhen-2) suggests that this variant is likely to be tolerated. In summary, the available evidence is currently insufficient to determine the role of this variant in disease. Therefore, it has been classified as a Variant of Uncertain Significance.

Breakthrough Genomics
Classification: Uncertain significance. Review status: criteria provided, single submitter. Criteria: ACMG Guidelines, 2015. Collection method: not provided. Allele origin: germline. Inheritance: Unknown mechanism. Affected: yes.